The following is an entry in ClinVar:

ClinVar aggregate classification (germline): Uncertain significance. Review status: criteria provided, multiple submitters, no conflicts (2 of 4 stars). 2 submissions from 2 submitters: Uncertain significance (2). Last evaluated 2022-11-02.

gnomAD v4.1: 3 of 1,551,444 alleles (0.00019%); highest among the groups gnomAD compares: Non-Finnish European, 0.00026%; no homozygotes.

Submissions (2):

Blueprint Genetics
Classification: Uncertain significance. Last evaluated: 2022-11-02. Review status: criteria provided, single submitter. Criteria: ACMG Guidelines, 2015. Collection method: clinical testing. Allele origin: germline.

Labcorp Genetics (formerly Invitae), Labcorp
Classification: Uncertain significance. Last evaluated: 2022-07-06. Review status: criteria provided, single submitter. Criteria: Invitae Variant Classification Sherloc (09022015). Collection method: clinical testing. Allele origin: germline.
Comment: This sequence change replaces asparagine, which is neutral and polar, with histidine, which is basic and polar, at codon 1535 of the EYS protein (p.Asn1535His). This variant is not present in population databases (gnomAD no frequency). This variant has not been reported in the literature in individuals affected with EYS-related conditions. ClinVar contains an entry for this variant (Variation ID: 1348840). Algorithms developed to predict the effect of missense changes on protein structure and function are either unavailable or do not agree on the potential impact of this missense change (SIFT: "Tolerated"; PolyPhen-2: "Probably Damaging"; Align-GVGD: "Class C0"). In summary, the available evidence is currently insufficient to determine the role of this variant in disease. Therefore, it has been classified as a Variant of Uncertain Significance.

NM_001142800.2(EYS):c.4603A>C (p.Asn1535His)

Gene: EYS (EGF-like photoreceptor maintenance factor; minus strand). Cytogenetic location: 6q12.
Variant type: single nucleotide variant.
Coding change: c.4603A>C on transcript NM_001142800.2 (MANE Select); coding-DNA position 4603, A replaced by C.
Protein change: p.Asn1535His; replaces asparagine 1535 with histidine.
Molecular consequence: missense variant.
Genome position (GRCh38, 1-based): chr6:64,591,264, T>G on the plus strand (A>C on the coding strand, the complement: EYS is on the minus strand). VCF-style: chr6-64591264-T-G. GRCh37 (hg19) VCF-style: chr6-65301157-T-G.
Other names: c.4603A>C, p.Asn1535His (NM_001292009.2); short protein forms N1535H.
Identifiers: ClinVar variation 1348840 (VCV001348840.6), dbSNP rs2149831955, ClinGen allele CA364782957.